The following is an entry in ClinVar:

ClinVar aggregate classification (germline): Benign (1 of 4 stars; one submission).

Conditions:
Leigh syndrome (NULS). Also called: Leigh's necrotizing encephalopathy; Leigh's disease; Leigh's syndrome; LEIGH SYNDROME, NUCLEAR; Leigh Syndrome (mtDNA deletion); Leigh Disease. Identifiers: Orphanet 506, MedGen C2931891, MONDO:0009723, OMIM 256000.

Submission:

Wong Mito Lab, Molecular and Human Genetics, Baylor College of Medicine
Classification: Benign for Leigh syndrome. Last evaluated: 2019-10-17. Review status: criteria provided, single submitter. Criteria: Modified ACMG Guidelines (Unpublished). Collection method: clinical testing. Allele origin: germline.
Comment: The NC_012920.1:m.14315C>T (YP_003024037.1:p.Ser120Asn) variant in MTND6 gene is interpretated to be a Benign variant based on the modified ACMG guidelines (unpublished). This variant meets the following evidence codes: BS1, BS2, BP4

NC_012920.1(MT-ND6):m.14315C>T

Gene: MT-ND6 (mitochondrially encoded NADH dehydrogenase 6; minus strand).
Variant type: single nucleotide variant.
Genome position: chrM-14315-C-T.
Identifiers: ClinVar variation 693708 (VCV000693708.1), dbSNP rs1603224668, ClinGen allele CA414821909.